The following is an entry in ClinVar:

ClinVar aggregate classification (germline): Uncertain significance (1 of 4 stars; one submission).

Conditions:
Cystic fibrosis (CF). Also called: MUCOVISCIDOSIS. Identifiers: Orphanet 586, MedGen C0010674, MONDO:0009061, OMIM 219700. Disease mechanism: loss of function.

Submission:

Institute of Human Genetics, University of Leipzig Medical Center
Classification: Uncertain significance for Cystic fibrosis. Last evaluated: 2022-09-05. Review status: criteria provided, single submitter. Criteria: ACMG Guidelines, 2015. Collection method: curation. Allele origin: unknown. Affected: yes. Observed: 1 variant allele.
Comment: The variant was classified in the context of a project re-classifying variants in the German Cystic Fibrosis Registry (Muko.e.V.). Criteria applied: PM2_SUP, PM4_SUP

NM_000492.4(CFTR):c.2991_2993del

Genes: CFTR (CF transmembrane conductance regulator; plus strand), CFTR-AS2 (CFTR antisense RNA 2; minus strand), LOC111674472 (DNase I hypersensitive sites in introns 16 and 17a of CFTR; plus strand). Cytogenetic location: 7q31.2.
Variant type: Microsatellite.
Coding change: c.2991_2993del on transcript NM_000492.4 (MANE Select); coding-DNA positions 2991 to 2993, 3 bases deleted (GTT; older notation c.2991_2993delGTT).
Molecular consequence: splice acceptor variant.
Genome position (GRCh38, 1-based): chr7:117,610,521-117,610,523, GTT deleted; deleting any 3 consecutive bases within chr7:117,610,518-117,610,523 gives the same sequence; the c. name uses the placement nearest the transcript's 3' end. VCF-style (leftmost placement, unchanged base first): chr7-117610517-AGTT-A. GRCh37 (hg19) VCF-style: chr7-117250571-AGTT-A.
Identifiers: ClinVar variation 1706047 (VCV001706047.1), dbSNP rs2485128879, ClinGen allele CA645541519.
Genomic context (GRCh38, chr7:117,610,517, plus strand): 5'-ACTTTGTCCACTTTGCAATGTGAAAATGTTTACTCACCAACATGTTTTCTTTGATCTTAC[AGTT>A]GTTATTAATTGTGATTGGAGCTATAGCAGTTGTCGCAGTTTTACAACCCTACATCTTTGT-3'